The following is an entry in ClinVar:

NM_001006658.3(CR2):c.2882A>T (p.Gln961Leu)

Gene: CR2 (complement C3d receptor 2; plus strand). Cytogenetic location: 1q32.2.
Variant type: single nucleotide variant.
Coding change: c.2882A>T on transcript NM_001006658.3 (MANE Select); coding-DNA position 2882, A replaced by T.
Protein change: p.Gln961Leu; replaces glutamine 961 with leucine.
Molecular consequence: missense variant.
Genome position (GRCh38, 1-based): chr1:207,476,399, A>T. VCF-style: chr1-207476399-A-T. GRCh37 (hg19) VCF-style: chr1-207649744-A-T.
Other names: c.2705A>T, p.Gln902Leu (NM_001877.5); c.2882A>T (NM_001006658.2); short protein forms Q902L, Q961L.
Identifiers: ClinVar variation 1433170 (VCV001433170.7), dbSNP rs191264913, ClinGen allele CA1369082.

ClinVar aggregate classification (germline): Uncertain significance. Review status: criteria provided, multiple submitters, no conflicts (2 of 4 stars). 2 submissions from 2 submitters: Uncertain significance (2). Last evaluated 2025-11-03.

Conditions:
Immunodeficiency, common variable, 7. Identifiers: Orphanet 1572, Orphanet 696894, MedGen C3542922, MONDO:0013862, OMIM 614699.
Inborn genetic diseases. Identifiers: MedGen C0950123, MeSH D030342.

Allele frequency attached by ClinVar (database versions not stated): gnomAD exomes 0.00002; 1000 Genomes Project 30x 0.00031; ExAC 0.00002; ESP Exome Variant Server 0.00008; 1000 Genomes Project 0.00040.
gnomAD v4.1: 72 of 1,613,706 alleles (0.0045%); highest among the groups gnomAD compares: Non-Finnish European, 0.0058%; no homozygotes.

Submissions (2):

Labcorp Genetics (formerly Invitae), Labcorp
Classification: Uncertain significance for Immunodeficiency, common variable, 7. Last evaluated: 2025-11-03. Review status: criteria provided, single submitter. Criteria: Invitae Variant Classification Sherloc (09022015). Collection method: clinical testing. Allele origin: germline.
Comment: This sequence change replaces glutamine, which is neutral and polar, with leucine, which is neutral and non-polar, at codon 961 of the CR2 protein (p.Gln961Leu). This variant is present in population databases (rs191264913, gnomAD 0.004%). This variant has not been reported in the literature in individuals affected with CR2-related conditions. ClinVar contains an entry for this variant (Variation ID: 1433170). An algorithm developed to predict the effect of missense changes on protein structure and function (PolyPhen-2) suggests that this variant is likely to be tolerated. In summary, the available evidence is currently insufficient to determine the role of this variant in disease. Therefore, it has been classified as a Variant of Uncertain Significance.

Ambry Genetics
Classification: Uncertain significance for Inborn genetic diseases. Last evaluated: 2025-05-16. Review status: criteria provided, single submitter. Criteria: Ambry Variant Classification Scheme 2023. Collection method: clinical testing. Allele origin: germline.